The following is an entry in ClinVar:

NM_005359.6(SMAD4):c.249+135T>C

Gene: SMAD4 (SMAD family member 4; plus strand). Cytogenetic location: 18q21.2.
Variant type: single nucleotide variant.
Coding change: c.249+135T>C on transcript NM_005359.6 (MANE Select); 135 bases into the intron after coding-DNA position 249, T replaced by C.
Molecular consequence: intron variant.
Genome position (GRCh38, 1-based): chr18:51,047,430, T>C. VCF-style: chr18-51047430-T-C. GRCh37 (hg19) VCF-style: chr18-48573800-T-C.
Identifiers: ClinVar variation 677916 (VCV000677916.1), dbSNP rs564167931, ClinGen allele CA300081192.

ClinVar aggregate classification (germline): Likely benign (1 of 4 stars; one submission).

Allele frequency attached by ClinVar (database versions not stated): gnomAD 0.00488 and 0.00519; 1000 Genomes Project 0.00499; TOPMed 0.00526; 1000 Genomes Project 30x 0.00531.
gnomAD v4.1: 1,067 of 769,832 alleles (0.14%); highest among the groups gnomAD compares: African/African-American, 1.7%; 5 homozygotes.

Submission:

GeneDx
Classification: Likely benign. Last evaluated: 2018-06-18. Review status: criteria provided, single submitter. Criteria: GeneDx Variant Classification (06012015). Collection method: clinical testing. Allele origin: germline. Affected: yes.
Comment: This variant is considered likely benign or benign based on one or more of the following criteria: it is a conservative change, it occurs at a poorly conserved position in the protein, it is predicted to be benign by multiple in silico algorithms, and/or has population frequency not consistent with disease.